The following is an entry in ClinVar:

ClinVar aggregate classification (germline): Pathogenic (1 of 4 stars; one submission).

Conditions:
Deficiency of hydroxymethylglutaryl-CoA lyase (HMGCLD). Also called: Defect in leucine metabolism; 3-hydroxy-3-methylglutaric aciduria; HMGCL DEFICIENCY; HYDROXYMETHYLGLUTARIC ACIDURIA; HMG-CoA LYASE DEFICIENCY. Identifiers: Orphanet 20, MedGen C1533587, MONDO:0009520, OMIM 246450.

gnomAD v4.1: 1 of 1,605,350 alleles (0.000062%); highest among the groups gnomAD compares: East Asian, 0.0022%; no homozygotes.

Submission:

Labcorp Genetics (formerly Invitae), Labcorp
Classification: Pathogenic for Deficiency of hydroxymethylglutaryl-CoA lyase. Last evaluated: 2021-10-18. Review status: criteria provided, single submitter. Criteria: Invitae Variant Classification Sherloc (09022015). Collection method: clinical testing. Allele origin: germline.
Comment: For these reasons, this variant has been classified as Pathogenic. Algorithms developed to predict the effect of sequence changes on RNA splicing suggest that this variant may create or strengthen a splice site. This premature translational stop signal has been observed in individuals with 3-hydroxy-3-methylglutaryl (3HMG)-CoA lyase deficiency (PMID: 19177531, 20532825, 25872961). This variant is not present in population databases (ExAC no frequency). This sequence change creates a premature translational stop signal (p.Trp81*) in the HMGCL gene. It is expected to result in an absent or disrupted protein product. Loss-of-function variants in HMGCL are known to be pathogenic (PMID: 9817922, 17692550, 23465862).

Literature cited by the submitters: PubMed 19177531; PubMed 20532825; PubMed 25872961; PubMed 9817922; PubMed 17692550; PubMed 23465862.

NM_000191.3(HMGCL):c.242G>A (p.Trp81Ter)

Gene: HMGCL (3-hydroxy-3-methylglutaryl-CoA lyase; minus strand). Cytogenetic location: 1p36.11.
Variant type: single nucleotide variant.
Coding change: c.242G>A on transcript NM_000191.3 (MANE Select); coding-DNA position 242, G replaced by A.
Protein change: p.Trp81Ter; replaces tryptophan 81 with a stop codon.
Molecular consequence: nonsense.
Genome position (GRCh38, 1-based): chr1:23,817,486, C>T on the plus strand (G>A on the coding strand, the complement: HMGCL is on the minus strand). VCF-style: chr1-23817486-C-T. GRCh37 (hg19) VCF-style: chr1-24143976-C-T.
Other names: c.242G>A, p.Trp81Ter (NM_001166059.2); short protein forms W81*.
Identifiers: ClinVar variation 1457586 (VCV001457586.6), dbSNP rs2148424154, ClinGen allele CA339028998.